The following is an entry in ClinVar:

NM_000435.3(NOTCH3):c.5885G>A (p.Gly1962Glu)

Gene: NOTCH3 (notch receptor 3; minus strand). Cytogenetic location: 19p13.12.
Variant type: single nucleotide variant.
Coding change: c.5885G>A on transcript NM_000435.3 (MANE Select); coding-DNA position 5885, G replaced by A.
Protein change: p.Gly1962Glu; replaces glycine 1962 with glutamic acid.
Molecular consequence: missense variant.
Genome position (GRCh38, 1-based): chr19:15,162,493, C>T on the plus strand (G>A on the coding strand, the complement: NOTCH3 is on the minus strand). VCF-style: chr19-15162493-C-T. GRCh37 (hg19) VCF-style: chr19-15273304-C-T.
Other names: short protein forms G1962E.
Identifiers: ClinVar variation 5037464 (VCV005037464.1).

ClinVar aggregate classification (germline): Uncertain significance (1 of 4 stars; one submission).

Submission:

GeneDx
Classification: Uncertain significance. Last evaluated: 2026-04-20. Review status: criteria provided, single submitter. Criteria: GeneDx Variant Classification Process June 2021. Collection method: clinical testing. Allele origin: germline.
Comment: Not observed at significant frequency in large population cohorts (gnomAD); In silico analysis supports that this missense variant has a deleterious effect on protein structure/function; Has not been previously published as pathogenic or benign to our knowledge